The following is an entry in ClinVar:

NM_139242.4(MTFMT):c.281T>G (p.Leu94Arg)

Gene: MTFMT (mitochondrial methionyl-tRNA formyltransferase; minus strand). Cytogenetic location: 15q22.31.
Variant type: single nucleotide variant.
Coding change: c.281T>G on transcript NM_139242.4 (MANE Select); coding-DNA position 281, T replaced by G.
Protein change: p.Leu94Arg; replaces leucine 94 with arginine.
Molecular consequence: missense variant.
Genome position (GRCh38, 1-based): chr15:65,026,969, A>C on the plus strand (T>G on the coding strand, the complement: MTFMT is on the minus strand). VCF-style: chr15-65026969-A-C. GRCh37 (hg19) VCF-style: chr15-65319307-A-C.
Other names: short protein forms L94R.
Identifiers: ClinVar variation 2080714 (VCV002080714.4), dbSNP rs2506166845, ClinGen allele CA392859758.
Genomic context (GRCh38, chr15:65,026,969, plus strand): 5'-CCCACATCCGGCCACTCATATACGGGAAGCTGAGACTGCACAGCATATTGCTTCACTGGC[A>C]GTCCTTTTGGTGATGGGGAAGGCATTGTGACCACCTCCAGTTTGTCGATTAACTCTTCTT-3'
Protein context (NP_640335.2, residues 84-104): VTMPSPSPKG[Leu94Arg]PVKQYAVQSQ

ClinVar aggregate classification (germline): Uncertain significance (1 of 4 stars; one submission).

Submission:

Labcorp Genetics (formerly Invitae), Labcorp
Classification: Uncertain significance. Last evaluated: 2022-01-12. Review status: criteria provided, single submitter. Criteria: Invitae Variant Classification Sherloc (09022015). Collection method: clinical testing. Allele origin: germline.
Comment: This sequence change replaces leucine, which is neutral and non-polar, with arginine, which is basic and polar, at codon 94 of the MTFMT protein (p.Leu94Arg). This variant is not present in population databases (gnomAD no frequency). This variant has not been reported in the literature in individuals affected with MTFMT-related conditions. Algorithms developed to predict the effect of missense changes on protein structure and function are either unavailable or do not agree on the potential impact of this missense change (SIFT: "Tolerated"; PolyPhen-2: "Possibly Damaging"; Align-GVGD: "Class C0"). In summary, the available evidence is currently insufficient to determine the role of this variant in disease. Therefore, it has been classified as a Variant of Uncertain Significance.